The following is an entry in ClinVar:

ClinVar aggregate classification (germline): Likely benign (1 of 4 stars; one submission).

Allele frequency attached by ClinVar (database versions not stated): 1000 Genomes Project 0.00280; gnomAD 0.00293 and 0.00316; 1000 Genomes Project 30x 0.00312; TOPMed 0.00334.
gnomAD v4.1: 440 of 152,314 alleles (0.29%); highest among the groups gnomAD compares: African/African-American, 0.99%; no homozygotes.

Submission:

GeneDx
Classification: Likely benign. Last evaluated: 2021-10-19. Review status: criteria provided, single submitter. Criteria: GeneDx Variant Classification Process June 2021. Collection method: clinical testing. Allele origin: germline. Affected: yes.
Comment: See Variant Classification Assertion Criteria.

NM_020964.3(EPG5):c.1497+191A>G

Gene: EPG5 (ectopic P-granules 5 autophagy tethering factor; minus strand). Cytogenetic location: 18q21.1.
Variant type: single nucleotide variant.
Coding change: c.1497+191A>G on transcript NM_020964.3 (MANE Select); 191 bases into the intron after coding-DNA position 1497, A replaced by G.
Molecular consequence: intron variant.
Genome position (GRCh38, 1-based): chr18:45,949,293, T>C on the plus strand (A>G on the coding strand, the complement: EPG5 is on the minus strand). VCF-style: chr18-45949293-T-C. GRCh37 (hg19) VCF-style: chr18-43529259-T-C.
Identifiers: ClinVar variation 1691672 (VCV001691672.3), dbSNP rs75341729, ClinGen allele CA299788252.